The following is an entry in ClinVar:

ClinVar aggregate classification (germline): Likely benign (1 of 4 stars; one submission).

gnomAD v4.1: 1 of 1,614,088 alleles (0.000062%); highest among the groups gnomAD compares: Admixed American, 0.0017%; no homozygotes.

Submission:

CeGaT Center for Human Genetics Tuebingen
Classification: Likely benign. Last evaluated: 2026-01-01. Review status: criteria provided, single submitter. Criteria: CeGaT Center For Human Genetics Tuebingen Variant Classification Criteria Version 2. Collection method: clinical testing. Allele origin: germline. Affected: yes. Observed: 1 variant allele.
Comment: LMBRD2: BP4, BP7

NM_001007527.2(LMBRD2):c.681T>C (p.Tyr227=)

Gene: LMBRD2 (LMBR1 domain containing 2; minus strand). Cytogenetic location: 5p13.2.
Variant type: single nucleotide variant.
Coding change: c.681T>C on transcript NM_001007527.2 (MANE Select); coding-DNA position 681, T replaced by C.
Protein change: p.Tyr227=; no amino-acid change (tyrosine 227 retained).
Molecular consequence: synonymous variant.
Genome position (GRCh38, 1-based): chr5:36,136,375, A>G on the plus strand (T>C on the coding strand, the complement: LMBRD2 is on the minus strand). VCF-style: chr5-36136375-A-G. GRCh37 (hg19) VCF-style: chr5-36136477-A-G.
Identifiers: ClinVar variation 4822975 (VCV004822975.4).